The following is an entry in ClinVar:

ClinVar aggregate classification (germline): Uncertain significance (1 of 4 stars; one submission).

Allele frequency attached by ClinVar (database versions not stated): gnomAD exomes below 0.00001; ExAC 0.00001; gnomAD 0.00001; TOPMed 0.00002; ESP Exome Variant Server 0.00008.
gnomAD v4.1: 3 of 1,535,864 alleles (0.0002%); highest among the groups gnomAD compares: Non-Finnish European, 0.00026%; no homozygotes.

Submission:

Labcorp Genetics (formerly Invitae), Labcorp
Classification: Uncertain significance. Last evaluated: 2023-09-03. Review status: criteria provided, single submitter. Criteria: Invitae Variant Classification Sherloc (09022015). Collection method: clinical testing. Allele origin: germline.
Comment: In summary, the available evidence is currently insufficient to determine the role of this variant in disease. Therefore, it has been classified as a Variant of Uncertain Significance. An algorithm developed to predict the effect of missense changes on protein structure and function (PolyPhen-2) suggests that this variant is likely to be tolerated. This variant has not been reported in the literature in individuals affected with CRAT-related conditions. This variant is present in population databases (rs376846623, gnomAD 0.001%). This sequence change replaces serine, which is neutral and polar, with phenylalanine, which is neutral and non-polar, at codon 20 of the CRAT protein (p.Ser20Phe).

NM_000755.5(CRAT):c.59C>T (p.Ser20Phe)

Gene: CRAT (carnitine O-acetyltransferase; minus strand). Cytogenetic location: 9q34.11.
Variant type: single nucleotide variant.
Coding change: c.59C>T on transcript NM_000755.5 (MANE Select); coding-DNA position 59, C replaced by T.
Protein change: p.Ser20Phe; replaces serine 20 with phenylalanine.
Molecular consequence: missense variant. On other transcripts: 5 prime UTR variant (3).
Genome position (GRCh38, 1-based): chr9:129,108,046, G>A on the plus strand (C>T on the coding strand, the complement: CRAT is on the minus strand). VCF-style: chr9-129108046-G-A. GRCh37 (hg19) VCF-style: chr9-131870325-G-A.
Other names: c.-5C>T (NM_001257363.3, NM_001346548.2, NM_004003.4); c.62C>T, p.Ser21Phe (NM_001346546.2); c.59C>T, p.Ser20Phe (NM_001346547.2, NM_001346549.2); short protein forms S20F, S21F.
Identifiers: ClinVar variation 2802412 (VCV002802412.3), dbSNP rs376846623, ClinGen allele CA5275883.
Genomic context (GRCh38, chr9:129,108,046, plus strand): 5'-ACGGGCAGCCGTGGCAGTGCATCCTGGTGTGCCTTGAAGCGGCTGGAAGCCTTCATCAAG[G>A]AGAAGGGCTTCAGGAAGCCCAGAGGCTTCACCTGCAGGTAGCAGAACATCCTGTTCATTC-3'
Protein context (NP_000746.3, residues 10-30): VKPLGFLKPF[Ser20Phe]LMKASSRFKA